The following is an entry in ClinVar:

ClinVar aggregate classification (germline): Likely pathogenic (1 of 4 stars; one submission).

Conditions:
Leber congenital amaurosis (LCA). Also called: Leber's amaurosis. Identifiers: Orphanet 65, MedGen C0339527, MeSH D057130, MONDO:0018998.

Submission:

Natera, Inc.
Classification: Likely pathogenic for Leber congenital amaurosis. Last evaluated: 2024-10-14. Review status: criteria provided, single submitter. Criteria: Natera Variant Classification Schema (03/2026). Collection method: clinical testing. Allele origin: germline.
Comment: The c.89del variant in CRB1 is a frameshift variant predicted to shift the reading frame beginning at codon 30 and leads to a stop codon 41 codons downstream. This variant is expected to result in nonsense mediated decay, truncation, or a dysfunctional protein product. This variant is rare in the general population with a frequency below the threshold expected for the associated phenotype(s). Given the available evidence, this variant is classified as Likely Pathogenic.

NM_201253.3(CRB1):c.89del (p.Asn30fs)

Gene: CRB1 (crumbs cell polarity complex component 1; plus strand). Cytogenetic location: 1q31.3.
Variant type: Deletion.
Coding change: c.89del on transcript NM_201253.3 (MANE Select); coding-DNA position 89, one base deleted (A; older notation c.89delA).
Protein change: p.Asn30fs; shifts the reading frame from asparagine 30.
Molecular consequence: frameshift variant. On other transcripts: non-coding transcript variant (2), 5 prime UTR variant (1).
Genome position (GRCh38, 1-based): chr1:197,328,440, A deleted; the last of 5 consecutive A bases (chr1:197,328,436-197,328,440); deleting any one gives the same sequence. VCF-style (leftmost placement, unchanged base first): chr1-197328435-TA-T. GRCh37 (hg19) VCF-style: chr1-197297565-TA-T.
Other names: c.89del, p.Asn30fs (NM_001193640.2, NM_001257966.2); c.-119del (NM_001257965.2); short protein forms N30fs.
Identifiers: ClinVar variation 4817064 (VCV004817064.1).